The following is an entry in ClinVar:

NM_002354.3(EPCAM):c.348C>G (p.Cys116Trp)

Gene: EPCAM (epithelial cell adhesion molecule; plus strand). Cytogenetic location: 2p21.
Variant type: single nucleotide variant.
Coding change: c.348C>G on transcript NM_002354.3 (MANE Select); coding-DNA position 348, C replaced by G.
Protein change: p.Cys116Trp; replaces cysteine 116 with tryptophan.
Molecular consequence: missense variant.
Genome position (GRCh38, 1-based): chr2:47,373,971, C>G. VCF-style: chr2-47373971-C-G. GRCh37 (hg19) VCF-style: chr2-47601110-C-G.
Other names: short protein forms C116W.
Identifiers: ClinVar variation 4640431 (VCV004640431.1).

ClinVar aggregate classification (germline): Uncertain significance (1 of 4 stars; one submission).

Conditions:
Hereditary cancer-predisposing syndrome. Also called: Neoplastic Syndromes, Hereditary; Tumor predisposition; Hereditary Cancer Syndrome; Hereditary neoplastic syndrome. Identifiers: Orphanet 140162, MedGen C0027672, MeSH D009386, MONDO:0015356.

Submission:

Ambry Genetics
Classification: Uncertain significance for Hereditary cancer-predisposing syndrome. Last evaluated: 2025-10-23. Review status: criteria provided, single submitter. Criteria: Ambry Variant Classification Scheme 2023. Collection method: clinical testing. Allele origin: germline.
Comment: The p.C116W variant (also known as c.348C>G), located in coding exon 3 of the EPCAM gene, results from a C to G substitution at nucleotide position 348. The cysteine at codon 116 is replaced by tryptophan, an amino acid with highly dissimilar properties. This amino acid position is conserved. In addition, this alteration is predicted to be deleterious by in silico analysis. Based on the available evidence, the clinical significance of this variant remains unclear.